The following is an entry in ClinVar:

NM_031483.7(ITCH):c.104A>G (p.Asn35Ser)

Gene: ITCH (itchy E3 ubiquitin protein ligase; plus strand). Cytogenetic location: 20q11.22.
Variant type: single nucleotide variant.
Coding change: c.104A>G on transcript NM_031483.7 (MANE Select); coding-DNA position 104, A replaced by G.
Protein change: p.Asn35Ser; replaces asparagine 35 with serine.
Molecular consequence: missense variant. On other transcripts: intron variant (1).
Genome position (GRCh38, 1-based): chr20:34,408,684, A>G. VCF-style: chr20-34408684-A-G. GRCh37 (hg19) VCF-style: chr20-32996490-A-G.
Other names: c.104A>G, p.Asn35Ser (NM_001257137.3, NM_001324197.2, NM_001324198.2); c.-118-3831A>G (NM_001257138.3); short protein forms N35S.
Identifiers: ClinVar variation 1387277 (VCV001387277.6), dbSNP rs2146145938, ClinGen allele CA408661226.

ClinVar aggregate classification (germline): Uncertain significance (1 of 4 stars; one submission).

Conditions:
Syndromic multisystem autoimmune disease due to ITCH deficiency. Also called: AUTOIMMUNE DISEASE, MULTISYSTEM, WITH FACIAL DYSMORPHISM. Identifiers: Orphanet 228426, MedGen C3150649, MONDO:0013245, OMIM 613385.

Allele frequency attached by ClinVar (database versions not stated): gnomAD exomes 0.00002.

Submission:

Labcorp Genetics (formerly Invitae), Labcorp
Classification: Uncertain significance for Syndromic multisystem autoimmune disease due to ITCH deficiency. Last evaluated: 2022-09-08. Review status: criteria provided, single submitter. Criteria: Invitae Variant Classification Sherloc (09022015). Collection method: clinical testing. Allele origin: germline.
Comment: This sequence change replaces asparagine, which is neutral and polar, with serine, which is neutral and polar, at codon 35 of the ITCH protein (p.Asn35Ser). In summary, the available evidence is currently insufficient to determine the role of this variant in disease. Therefore, it has been classified as a Variant of Uncertain Significance. Algorithms developed to predict the effect of missense changes on protein structure and function are either unavailable or do not agree on the potential impact of this missense change (SIFT: "Not Available"; PolyPhen-2: "Benign"; Align-GVGD: "Not Available"). ClinVar contains an entry for this variant (Variation ID: 1387277). This variant has not been reported in the literature in individuals affected with ITCH-related conditions. This variant is not present in population databases (gnomAD no frequency).